The following is an entry in ClinVar:

NM_003680.4(YARS1):c.827T>A (p.Val276Glu)

Genes: YARS1 (tyrosyl-tRNA synthetase 1; minus strand), LOC126805688 (BRD4-independent group 4 enhancer GRCh37_chr1:33251929-33253128; plus strand). Cytogenetic location: 1p35.1.
Variant type: single nucleotide variant.
Coding change: c.827T>A on transcript NM_003680.4 (MANE Select); coding-DNA position 827, T replaced by A.
Protein change: p.Val276Glu; replaces valine 276 with glutamic acid.
Molecular consequence: missense variant.
Genome position (GRCh38, 1-based): chr1:32,786,441, A>T on the plus strand (T>A on the coding strand, the complement: YARS1 is on the minus strand). VCF-style: chr1-32786441-A-T. GRCh37 (hg19) VCF-style: chr1-33252042-A-T.
Other names: short protein forms V276E.
Identifiers: ClinVar variation 847059 (VCV000847059.18), dbSNP rs1395864629, ClinGen allele CA339684924.
Genomic context (GRCh38, chr1:32,786,441, plus strand): 5'-TCCAGGTCCACGTAAGCTGTGTAGGTTTTGTTTCCACCCCATTTCTCATCTCGTAGGATC[A>T]CAAACTCTATAAGGAAAAGGATCCATGTCAACAAACTCATTGACAGCATTCCTAGCTCAC-3'
Protein context (NP_003671.1, residues 266-286): HVLFPLKSEF[Val276Glu]ILRDEKWGGN

ClinVar aggregate classification (germline): Uncertain significance. Review status: criteria provided, multiple submitters, no conflicts (2 of 4 stars). 2 submissions from 2 submitters: Uncertain significance (2). Last evaluated 2025-08-01.

Conditions:
Charcot-Marie-Tooth disease dominant intermediate C (CMTDIC). Also called: CHARCOT-MARIE-TOOTH NEUROPATHY, DOMINANT INTERMEDIATE C. Identifiers: Orphanet 100045, MedGen C1842237, MONDO:0012012, OMIM 608323.

Allele frequency attached by ClinVar (database versions not stated): TOPMed below 0.00001; gnomAD 0.00001; gnomAD exomes 0.00001.
gnomAD v4.1: 8 of 1,613,588 alleles (0.0005%); highest among the groups gnomAD compares: Non-Finnish European, 0.00059%; no homozygotes.

Submissions (2):

CeGaT Center for Human Genetics Tuebingen
Classification: Uncertain significance. Last evaluated: 2025-08-01. Review status: criteria provided, single submitter. Criteria: CeGaT Center For Human Genetics Tuebingen Variant Classification Criteria Version 2. Collection method: clinical testing. Allele origin: germline. Affected: yes. Observed: 1 variant allele.
Comment: YARS1: PM2

Labcorp Genetics (formerly Invitae), Labcorp
Classification: Uncertain significance for Charcot-Marie-Tooth disease dominant intermediate C. Last evaluated: 2023-03-10. Review status: criteria provided, single submitter. Criteria: Invitae Variant Classification Sherloc (09022015). Collection method: clinical testing. Allele origin: germline.
Comment: This sequence change replaces valine, which is neutral and non-polar, with glutamic acid, which is acidic and polar, at codon 276 of the YARS protein (p.Val276Glu). This variant is not present in population databases (gnomAD no frequency). This variant has not been reported in the literature in individuals affected with YARS-related conditions. ClinVar contains an entry for this variant (Variation ID: 847059). Advanced modeling of protein sequence and biophysical properties (such as structural, functional, and spatial information, amino acid conservation, physicochemical variation, residue mobility, and thermodynamic stability) performed at Invitae indicates that this missense variant is not expected to disrupt YARS protein function. In summary, the available evidence is currently insufficient to determine the role of this variant in disease. Therefore, it has been classified as a Variant of Uncertain Significance.